The following is an entry in ClinVar:

ClinVar aggregate classification (germline): Uncertain significance. Review status: criteria provided, multiple submitters, no conflicts (2 of 4 stars). 3 submissions from 3 submitters: Uncertain significance (3). Last evaluated 2025-07-24.

Conditions:
Fraser syndrome 1 (FRASRS1). Also called: CRYPTOPHTHALMOS WITH OTHER MALFORMATIONS. Identifiers: Orphanet 2052, MedGen C4551480, MONDO:0054737, OMIM 219000.
FRAS1-related disorder. Also called: FRAS1-related condition.

gnomAD v4.1: 18 of 1,613,932 alleles (0.0011%); highest among the groups gnomAD compares: East Asian, 0.031%; no homozygotes.

Submissions (3):

PreventionGenetics, part of Exact Sciences
Classification: Uncertain significance for FRAS1-related condition. Last evaluated: 2025-07-24. Review status: criteria provided, single submitter. Criteria: ACMG Guidelines, 2015. Collection method: clinical testing. Allele origin: germline.
Comment: The FRAS1 c.9193A>G variant is predicted to result in the amino acid substitution p.Ile3065Val. To our knowledge, this variant has not been reported in the literature. This variant is reported in 0.061% of alleles in individuals of East Asian descent in gnomAD. Although we suspect that this variant may be benign, at this time, the clinical significance of this variant is uncertain due to the absence of conclusive functional and genetic evidence.

Fulgent Genetics
Classification: Uncertain significance for Fraser syndrome 1. Last evaluated: 2024-06-14. Review status: criteria provided, single submitter. Criteria: ACMG Guidelines, 2015. Collection method: clinical testing. Allele origin: germline.

Blueprint Genetics
Classification: Uncertain significance. Last evaluated: 2021-11-17. Review status: criteria provided, single submitter. Criteria: ACMG Guidelines, 2015. Collection method: clinical testing. Allele origin: germline.

NM_025074.7(FRAS1):c.9193A>G (p.Ile3065Val)

Gene: FRAS1 (Fraser extracellular matrix complex subunit 1; plus strand). Cytogenetic location: 4q21.21.
Variant type: single nucleotide variant.
Coding change: c.9193A>G on transcript NM_025074.7 (MANE Select); coding-DNA position 9193, A replaced by G.
Protein change: p.Ile3065Val; replaces isoleucine 3065 with valine.
Molecular consequence: missense variant.
Genome position (GRCh38, 1-based): chr4:78,499,798, A>G. VCF-style: chr4-78499798-A-G. GRCh37 (hg19) VCF-style: chr4-79420952-A-G.
Other names: c.9193A>G (NM_025074.6); short protein forms I3065V.
Identifiers: ClinVar variation 3591157 (VCV003591157.3).